The following is an entry in ClinVar:

NM_006790.3(MYOT):c.176G>A (p.Ser59Asn)

Genes: MYOT (myotilin; plus strand), PKD2L2-DT (PKD2L2 divergent transcript; minus strand). Cytogenetic location: 5q31.2.
Variant type: single nucleotide variant.
Coding change: c.176G>A on transcript NM_006790.3 (MANE Select); coding-DNA position 176, G replaced by A.
Protein change: p.Ser59Asn; replaces serine 59 with asparagine.
Molecular consequence: missense variant. On other transcripts: intron variant (2).
Genome position (GRCh38, 1-based): chr5:137,870,827, G>A. VCF-style: chr5-137870827-G-A. GRCh37 (hg19) VCF-style: chr5-137206516-G-A.
Other names: c.-120-50G>A (NM_001300911.2); c.-197+302G>A (NM_001135940.2); short protein forms S59N.
Identifiers: ClinVar variation 2891816 (VCV002891816.3), dbSNP rs2149978876, ClinGen allele CA361052800.

ClinVar aggregate classification (germline): Uncertain significance (1 of 4 stars; one submission).

Conditions:
Myofibrillar myopathy 3 (MFM3). Also called: Muscular dystrophy, proximal, type 1A; Autosomal dominant spheroid body myopathy. Identifiers: Orphanet 266, Orphanet 268129, MedGen C3714934, MONDO:0012215, OMIM 609200.

Allele frequency attached by ClinVar (database versions not stated): gnomAD exomes below 0.00001.
gnomAD v4.1: 2 of 1,614,134 alleles (0.00012%); highest among the groups gnomAD compares: Non-Finnish European, 0.00017%; no homozygotes.

Submission:

Labcorp Genetics (formerly Invitae), Labcorp
Classification: Uncertain significance for Myofibrillar myopathy 3. Last evaluated: 2023-11-19. Review status: criteria provided, single submitter. Criteria: Invitae Variant Classification Sherloc (09022015). Collection method: clinical testing. Allele origin: germline.
Comment: This sequence change replaces serine, which is neutral and polar, with asparagine, which is neutral and polar, at codon 59 of the MYOT protein (p.Ser59Asn). This variant is not present in population databases (gnomAD no frequency). This variant has not been reported in the literature in individuals affected with MYOT-related conditions. An algorithm developed to predict the effect of missense changes on protein structure and function (PolyPhen-2) suggests that this variant is likely to be disruptive. In summary, the available evidence is currently insufficient to determine the role of this variant in disease. Therefore, it has been classified as a Variant of Uncertain Significance.